The following is an entry in ClinVar:

NM_003410.4(ZFX):c.1517A>G (p.His506Arg)

Gene: ZFX (zinc finger protein X-linked; plus strand). Cytogenetic location: Xp22.11.
Variant type: single nucleotide variant.
Coding change: c.1517A>G on transcript NM_003410.4 (MANE Select); coding-DNA position 1517, A replaced by G.
Protein change: p.His506Arg; replaces histidine 506 with arginine.
Molecular consequence: missense variant. On other transcripts: 3 prime UTR variant (1).
Genome position (GRCh38, 1-based): chrX:24,210,475, A>G. VCF-style: chrX-24210475-A-G. GRCh37 (hg19) VCF-style: chrX-24228592-A-G.
Other names: c.1517A>G, p.His506Arg (NM_001178084.2, NM_001178085.1); c.830A>G, p.His277Arg (NM_001178086.2); c.*277A>G (NM_001178095.2); c.1634A>G, p.His545Arg (NM_001330327.2); short protein forms H277R, H506R, H545R.
Identifiers: ClinVar variation 4689860 (VCV004689860.1).
Genomic context (GRCh38, chrX:24,210,475, plus strand): 5'-AGGCCATTGAATGCGATGAGTGTGGGAAGCATTTCTCTCATGCAGGGGCTTTGTTTACTC[A>G]CAAAATGGTGCATAAGGAAAAAGGAGCCAACAAAATGCACAAGTGTAAATTCTGTGAATA-3'
Protein context (NP_003401.2, residues 496-516): HFSHAGALFT[His506Arg]KMVHKEKGAN

ClinVar aggregate classification (germline): Uncertain significance (1 of 4 stars; one submission).

Submission:

GeneDx
Classification: Uncertain significance. Last evaluated: 2025-07-24. Review status: criteria provided, single submitter. Criteria: GeneDx Variant Classification Process June 2021. Collection method: clinical testing. Allele origin: germline. Affected: yes.
Comment: Not observed at significant frequency in large population cohorts (gnomAD); In silico analysis supports that this missense variant has a deleterious effect on protein structure/function; Has not been previously published as pathogenic or benign to our knowledge